The following is an entry in ClinVar:

NM_020937.4(FANCM):c.698T>C (p.Val233Ala)

Gene: FANCM (FA complementation group M; plus strand). Cytogenetic location: 14q21.2.
Variant type: single nucleotide variant.
Coding change: c.698T>C on transcript NM_020937.4 (MANE Select); coding-DNA position 698, T replaced by C.
Protein change: p.Val233Ala; replaces valine 233 with alanine.
Molecular consequence: missense variant. On other transcripts: intron variant (1).
Genome position (GRCh38, 1-based): chr14:45,140,648, T>C. VCF-style: chr14-45140648-T-C. GRCh37 (hg19) VCF-style: chr14-45609851-T-C.
Other names: c.698T>C, p.Val233Ala (NM_001308134.2); c.681+3407T>C (NM_001308133.2); short protein forms V233A.
Identifiers: ClinVar variation 852380 (VCV000852380.9), dbSNP rs1885849616, ClinGen allele CA389589062.
Genomic context (GRCh38, chr14:45,140,648, plus strand): 5'-TTTGCATTGAACAGATGAAACTAAAGAACTTTTTTTTTCTTAAGGTTGTAAGAGAACTAG[T>C]CAAATATACAAATCACTTTAGAATCTTGGCTCTAAGTGCCACACCAGGTAGTGATATAAA-3'
Protein context (NP_065988.1, residues 223-243): YAYCQVVREL[Val233Ala]KYTNHFRILA

ClinVar aggregate classification (germline): Uncertain significance (1 of 4 stars; one submission).

Conditions:
Fanconi anemia (FA). Also called: Fanconi's anemia. Identifiers: Orphanet 84, MedGen C0015625, MeSH D005199, MONDO:0019391.

gnomAD v4.1: 1 of 1,594,008 alleles (0.000063%); no homozygotes.

Submission:

Labcorp Genetics (formerly Invitae), Labcorp
Classification: Uncertain significance for Fanconi anemia. Last evaluated: 2019-02-14. Review status: criteria provided, single submitter. Criteria: Invitae Variant Classification Sherloc (09022015). Collection method: clinical testing. Allele origin: germline.
Comment: In summary, the available evidence is currently insufficient to determine the role of this variant in disease. Therefore, it has been classified as a Variant of Uncertain Significance. Algorithms developed to predict the effect of missense changes on protein structure and function (SIFT, PolyPhen-2, Align-GVGD) all suggest that this variant is likely to be tolerated, but these predictions have not been confirmed by published functional studies and their clinical significance is uncertain. This variant has not been reported in the literature in individuals with FANCM-related conditions. This variant is not present in population databases (ExAC no frequency). This sequence change replaces valine with alanine at codon 233 of the FANCM protein (p.Val233Ala). The valine residue is weakly conserved and there is a small physicochemical difference between valine and alanine.